The following is an entry in ClinVar:

ClinVar aggregate classification (germline): Uncertain significance (1 of 4 stars; one submission).

Submission:

GeneDx
Classification: Uncertain significance. Last evaluated: 2024-03-29. Review status: criteria provided, single submitter. Criteria: GeneDx Variant Classification Process June 2021. Collection method: clinical testing. Allele origin: germline. Affected: yes.
Comment: Not observed at significant frequency in large population cohorts (gnomAD); In silico analysis supports a deleterious effect on splicing; Has not been previously published as pathogenic or benign to our knowledge

NM_001009944.3(PKD1):c.1386-11C>G

Gene: PKD1 (polycystin 1, transient receptor potential channel interacting; minus strand). Cytogenetic location: 16p13.3.
Variant type: single nucleotide variant.
Coding change: c.1386-11C>G on transcript NM_001009944.3 (MANE Select); 11 bases into the intron before coding-DNA position 1386, C replaced by G.
Molecular consequence: intron variant.
Genome position (GRCh38, 1-based): chr16:2,117,064, G>C on the plus strand (C>G on the coding strand, the complement: PKD1 is on the minus strand). VCF-style: chr16-2117064-G-C. GRCh37 (hg19) VCF-style: chr16-2167065-G-C.
Other names: c.1386-11C>G (NM_000296.4).
Identifiers: ClinVar variation 3371637 (VCV003371637.1).